The following is an entry in ClinVar:

ClinVar aggregate classification (germline): Uncertain significance (1 of 4 stars; one submission).

Conditions:
Malignant hyperthermia, susceptibility to, 5 (MHS5). Also called: CACNA1S-Related Malignant Hyperthermia Susceptibility. Identifiers: Orphanet 423, MedGen C1866077, MONDO:0011163, OMIM 601887.

Allele frequency attached by ClinVar (database versions not stated): gnomAD exomes below 0.00001.
gnomAD v4.1: 2 of 1,614,192 alleles (0.00012%); highest among the groups gnomAD compares: South Asian, 0.0022%; no homozygotes.

Submission:

All of Us Research Program, National Institutes of Health
Classification: Uncertain significance for Malignant hyperthermia, susceptibility to, 5. Last evaluated: 2023-02-24. Review status: criteria provided, single submitter. Criteria: ACMG Guidelines, 2015. Collection method: clinical testing. Allele origin: germline. Inheritance: Autosomal dominant inheritance. Observed: 1 variant allele, 1 heterozygote.
Comment: This missense variant replaces lysine with glutamine at codon 1336 of the CACNA1S protein. Computational prediction suggests that this variant may not impact protein structure and function (internally defined REVEL score threshold <= 0.5, PMID: 27666373). To our knowledge, functional studies have not been reported for this variant. This variant has not been reported in individuals affected with CACNA1S-related disorders in the literature. This variant has not been identified in the general population by the Genome Aggregation Database (gnomAD). The available evidence is insufficient to determine the role of this variant in disease conclusively. Therefore, this variant is classified as a Variant of Uncertain Significance.

This study involves interpretation of variants in research participants for the purpose of population health screening. Participant phenotype was not available at the time of variant classification. Additional details can be found in publication PMID: 35346344, PMCID: PMC8962531

NM_000069.3(CACNA1S):c.4006A>C (p.Lys1336Gln)

Gene: CACNA1S (calcium voltage-gated channel subunit alpha1 S; minus strand). Cytogenetic location: 1q32.1.
Variant type: single nucleotide variant.
Coding change: c.4006A>C on transcript NM_000069.3 (MANE Select); coding-DNA position 4006, A replaced by C.
Protein change: p.Lys1336Gln; replaces lysine 1336 with glutamine.
Molecular consequence: missense variant.
Genome position (GRCh38, 1-based): chr1:201,051,091, T>G on the plus strand (A>C on the coding strand, the complement: CACNA1S is on the minus strand). VCF-style: chr1-201051091-T-G. GRCh37 (hg19) VCF-style: chr1-201020219-T-G.
Other names: short protein forms K1336Q.
Identifiers: ClinVar variation 3069575 (VCV003069575.1), dbSNP rs2464447410, ClinGen allele CA344150608.
Genomic context (GRCh38, chr1:201,051,091, plus strand): 5'-AGTTGGTGCCACATGTGTACTCCTCCCCTGGGGCATAGTCCGACTCTGGGTCACACAGCT[T>G]CCCATAGCTGCAGGCCAGTAGGATCTCCTGCCAGGCCTCACCTGTTGCACACCTAGAGGA-3'
Protein context (NP_000060.2, residues 1326-1346): QEILLACSYG[Lys1336Gln]LCDPESDYAP